The following is an entry in ClinVar:

ClinVar aggregate classification (germline): Uncertain significance (1 of 4 stars; one submission).

Conditions:
Glycogen storage disease type III (GSD3). Also called: Cori disease; FORBES DISEASE. Identifiers: Orphanet 366, MedGen C0017922, MONDO:0009291, OMIM 232400.

gnomAD v4.1: 3 of 1,614,048 alleles (0.00019%); highest among the groups gnomAD compares: Non-Finnish European, 0.00025%; no homozygotes.

Submission:

Labcorp Genetics (formerly Invitae), Labcorp
Classification: Uncertain significance for Glycogen storage disease type III. Last evaluated: 2022-02-05. Review status: criteria provided, single submitter. Criteria: Invitae Variant Classification Sherloc (09022015). Collection method: clinical testing. Allele origin: germline.
Comment: This sequence change replaces alanine, which is neutral and non-polar, with serine, which is neutral and polar, at codon 253 of the AGL protein (p.Ala253Ser). This variant is not present in population databases (gnomAD no frequency). This variant has not been reported in the literature in individuals affected with AGL-related conditions. Algorithms developed to predict the effect of missense changes on protein structure and function are either unavailable or do not agree on the potential impact of this missense change (SIFT: "Tolerated"; PolyPhen-2: "Possibly Damaging"; Align-GVGD: "Class C0"). In summary, the available evidence is currently insufficient to determine the role of this variant in disease. Therefore, it has been classified as a Variant of Uncertain Significance.

NM_000642.3(AGL):c.757G>T (p.Ala253Ser)

Gene: AGL (amylo-alpha-1,6-glucosidase and 4-alpha-glucanotransferase; plus strand). Cytogenetic location: 1p21.2.
Variant type: single nucleotide variant.
Coding change: c.757G>T on transcript NM_000642.3 (MANE Select); coding-DNA position 757, G replaced by T.
Protein change: p.Ala253Ser; replaces alanine 253 with serine.
Molecular consequence: missense variant.
Genome position (GRCh38, 1-based): chr1:99,870,492, G>T. VCF-style: chr1-99870492-G-T. GRCh37 (hg19) VCF-style: chr1-100336048-G-T.
Other names: c.757G>T, p.Ala253Ser (NM_000028.3, NM_000643.3, NM_000644.3 and 3 more transcripts); c.709G>T, p.Ala237Ser (NM_000646.3); c.553G>T, p.Ala185Ser (NM_001425328.1, NM_001425329.1); c.379G>T, p.Ala127Ser (NM_001425332.1); short protein forms A237S, A253S, A127S, A185S.
Identifiers: ClinVar variation 1469042 (VCV001469042.5), dbSNP rs745379427, ClinGen allele CA341339812.